The following is an entry in ClinVar:

ClinVar aggregate classification (germline): Uncertain significance (1 of 4 stars; one submission).

Submission:

Labcorp Genetics (formerly Invitae), Labcorp
Classification: Uncertain significance. Last evaluated: 2024-02-10. Review status: criteria provided, single submitter. Criteria: Invitae Variant Classification Sherloc (09022015). Collection method: clinical testing. Allele origin: germline.
Comment: This sequence change replaces glutamic acid, which is acidic and polar, with glutamine, which is neutral and polar, at codon 1527 of the DUOX2 protein (p.Glu1527Gln). This variant is not present in population databases (gnomAD no frequency). This variant has not been reported in the literature in individuals affected with DUOX2-related conditions. An algorithm developed to predict the effect of missense changes on protein structure and function (PolyPhen-2) suggests that this variant is likely to be disruptive. In summary, the available evidence is currently insufficient to determine the role of this variant in disease. Therefore, it has been classified as a Variant of Uncertain Significance.

NM_001363711.2(DUOX2):c.4579G>C (p.Glu1527Gln)

Gene: DUOX2 (dual oxidase 2; minus strand). Cytogenetic location: 15q21.1.
Variant type: single nucleotide variant.
Coding change: c.4579G>C on transcript NM_001363711.2 (MANE Select); coding-DNA position 4579, G replaced by C.
Protein change: p.Glu1527Gln; replaces glutamic acid 1527 with glutamine.
Molecular consequence: missense variant.
Genome position (GRCh38, 1-based): chr15:45,094,218, C>G on the plus strand (G>C on the coding strand, the complement: DUOX2 is on the minus strand). VCF-style: chr15-45094218-C-G. GRCh37 (hg19) VCF-style: chr15-45386416-C-G.
Other names: c.4579G>C, p.Glu1527Gln (NM_014080.5); short protein forms E1527Q.
Identifiers: ClinVar variation 3691901 (VCV003691901.2).